The following is an entry in ClinVar:

ClinVar aggregate classification (germline): Uncertain significance (1 of 4 stars; one submission).

Conditions:
Epileptic encephalopathy. Identifiers: MedGen C0543888, HP:0200134.

Allele frequency attached by ClinVar (database versions not stated): TOPMed 0.00003.

Submission:

Labcorp Genetics (formerly Invitae), Labcorp
Classification: Uncertain significance for Epileptic encephalopathy. Last evaluated: 2021-09-02. Review status: criteria provided, single submitter. Criteria: Invitae Variant Classification Sherloc (09022015). Collection method: clinical testing. Allele origin: germline.
Comment: This sequence change replaces alanine with valine at codon 416 of the RYR3 protein (p.Ala416Val). The alanine residue is weakly conserved and there is a small physicochemical difference between alanine and valine. This variant is present in population databases (rs747346417, ExAC 0.01%). This variant has not been reported in the literature in individuals affected with RYR3-related conditions. Algorithms developed to predict the effect of missense changes on protein structure and function (SIFT, PolyPhen-2, Align-GVGD) all suggest that this variant is likely to be tolerated. In summary, the available evidence is currently insufficient to determine the role of this variant in disease. Therefore, it has been classified as a Variant of Uncertain Significance.

NM_001036.6(RYR3):c.1247C>T (p.Ala416Val)

Gene: RYR3 (ryanodine receptor 3; plus strand). Cytogenetic location: 15q14.
Variant type: single nucleotide variant.
Coding change: c.1247C>T on transcript NM_001036.6 (MANE Select); coding-DNA position 1247, C replaced by T.
Protein change: p.Ala416Val; replaces alanine 416 with valine.
Molecular consequence: missense variant.
Genome position (GRCh38, 1-based): chr15:33,566,778, C>T. VCF-style: chr15-33566778-C-T. GRCh37 (hg19) VCF-style: chr15-33858979-C-T.
Other names: c.1247C>T, p.Ala416Val (NM_001243996.4); short protein forms A416V.
Identifiers: ClinVar variation 1013974 (VCV001013974.2), dbSNP rs747346417, ClinGen allele CA7458065.